The following is an entry in ClinVar:

NM_004329.3(BMPR1A):c.1568A>T (p.Lys523Met)

Gene: BMPR1A (bone morphogenetic protein receptor type 1A; plus strand). Cytogenetic location: 10q23.2.
Variant type: single nucleotide variant.
Coding change: c.1568A>T on transcript NM_004329.3 (MANE Select); coding-DNA position 1568, A replaced by T.
Protein change: p.Lys523Met; replaces lysine 523 with methionine.
Molecular consequence: missense variant. On other transcripts: non-coding transcript variant (3).
Genome position (GRCh38, 1-based): chr10:86,923,688, A>T. VCF-style: chr10-86923688-A-T. GRCh37 (hg19) VCF-style: chr10-88683445-A-T.
Other names: c.1643A>T, p.Lys548Met (NM_001406559.1); c.1616A>T, p.Lys539Met (NM_001406560.1); c.1568A>T, p.Lys523Met (NM_001406561.1, NM_001406562.1, NM_001406563.1 and 19 more transcripts); c.1562A>T, p.Lys521Met (NM_001406583.1); c.1484A>T, p.Lys495Met (NM_001406584.1, NM_001406585.1, NM_001406586.1 and 2 more transcripts); c.1226A>T, p.Lys409Met (NM_001406589.1); short protein forms K523M, K539M, K409M, K521M, K548M, K495M.
Identifiers: ClinVar variation 5033002 (VCV005033002.1).

ClinVar aggregate classification (germline): Uncertain significance (1 of 4 stars; one submission).

Conditions:
Hereditary cancer-predisposing syndrome. Also called: Neoplastic Syndromes, Hereditary; Tumor predisposition; Hereditary neoplastic syndrome; Hereditary Cancer Syndrome. Identifiers: Orphanet 140162, MedGen C0027672, MeSH D009386, MONDO:0015356.

Submission:

Ambry Genetics
Classification: Uncertain significance for Hereditary cancer-predisposing syndrome. Last evaluated: 2026-07-07. Review status: criteria provided, single submitter. Criteria: Ambry Variant Classification Scheme 2023. Collection method: clinical testing. Allele origin: germline.
Comment: The p.K523M variant (also known as c.1568A>T), located in coding exon 11 of the BMPR1A gene, results from an A to T substitution at nucleotide position 1568. The lysine at codon 523 is replaced by methionine, an amino acid with similar properties. This amino acid position is conserved. In addition, the in silico prediction for this alteration is inconclusive. Based on the available evidence, the clinical significance of this variant remains unclear.